The following is an entry in ClinVar:

NM_003640.5(ELP1):c.3701-166T>C

Gene: ELP1 (elongator acetyltransferase complex subunit 1; minus strand). Cytogenetic location: 9q31.3.
Variant type: single nucleotide variant.
Coding change: c.3701-166T>C on transcript NM_003640.5 (MANE Select); 166 bases into the intron before coding-DNA position 3701, T replaced by C.
Molecular consequence: intron variant.
Genome position (GRCh38, 1-based): chr9:108,878,315, A>G on the plus strand (T>C on the coding strand, the complement: ELP1 is on the minus strand). VCF-style: chr9-108878315-A-G. GRCh37 (hg19) VCF-style: chr9-111640595-A-G.
Other names: c.3359-166T>C (NM_001318360.2); c.2654-166T>C (NM_001330749.2).
Identifiers: ClinVar variation 681947 (VCV000681947.1), dbSNP rs10435833, ClinGen allele CA15606771.

ClinVar aggregate classification (germline): Benign (1 of 4 stars; one submission).

Allele frequency attached by ClinVar (database versions not stated): gnomAD 0.21988 and 0.22096; TOPMed 0.22232; 1000 Genomes Project 30x 0.24578; 1000 Genomes Project 0.24700.

Submission:

GeneDx
Classification: Benign. Last evaluated: 2018-06-19. Review status: criteria provided, single submitter. Criteria: GeneDx Variant Classification (06012015). Collection method: clinical testing. Allele origin: germline. Affected: yes.
Comment: This variant is considered likely benign or benign based on one or more of the following criteria: it is a conservative change, it occurs at a poorly conserved position in the protein, it is predicted to be benign by multiple in silico algorithms, and/or has population frequency not consistent with disease.